The following is an entry in ClinVar:

NM_017777.4(MKS1):c.1567A>G (p.Ser523Gly)

Gene: MKS1 (MKS transition zone complex subunit 1; minus strand). Cytogenetic location: 17q22.
Variant type: single nucleotide variant.
Coding change: c.1567A>G on transcript NM_017777.4 (MANE Select); coding-DNA position 1567, A replaced by G.
Protein change: p.Ser523Gly; replaces serine 523 with glycine.
Molecular consequence: missense variant. On other transcripts: synonymous variant (1).
Genome position (GRCh38, 1-based): chr17:58,206,304, T>C on the plus strand (A>G on the coding strand, the complement: MKS1 is on the minus strand). VCF-style: chr17-58206304-T-C. GRCh37 (hg19) VCF-style: chr17-56283665-T-C.
Other names: c.958A>G, p.Ser320Gly (NM_001321268.2); c.1484A>G, p.Glu495Gly (NM_001321269.2); c.1350A>G, p.Arg450= (NM_001330397.2); short protein forms E495G, S320G, S523G.
Identifiers: ClinVar variation 1013736 (VCV001013736.10), dbSNP rs1968502243, ClinGen allele CA400324399.

ClinVar aggregate classification (germline): Uncertain significance. Review status: criteria provided, single submitter (1 of 4 stars). 2 submissions from 2 submitters: Uncertain significance (1). 1 of the submissions does not count toward it. Last evaluated 2020-10-23.

Conditions:
Joubert syndrome. Also called: Familial aplasia of the vermis; CEREBELLOPARENCHYMAL DISORDER IV; JOUBERT-BOLTSHAUSER SYNDROME. Identifiers: Orphanet 475, MedGen C5979921, MONDO:0018772.
Meckel-Gruber syndrome. Also called: Dysencephalia splachnocystica; DYSENCEPHALIA SPLANCHNOCYSTICA; GRUBER SYNDROME. Identifiers: Orphanet 564, MedGen C0265215, MONDO:0018921.
Meckel syndrome, type 1 (MKS1). Also called: MECKEL-GRUBER SYNDROME, TYPE 1. Identifiers: Orphanet 564, MedGen C3714506, MONDO:0009571, OMIM 249000.

Allele frequency attached by ClinVar (database versions not stated): gnomAD exomes below 0.00001.

Submissions (2):

Labcorp Genetics (formerly Invitae), Labcorp
Classification: Uncertain significance for Joubert syndrome; Meckel-Gruber syndrome. Last evaluated: 2020-10-23. Review status: criteria provided, single submitter. Criteria: Invitae Variant Classification Sherloc (09022015). Collection method: clinical testing. Allele origin: germline.
Comment: In summary, the available evidence is currently insufficient to determine the role of this variant in disease. Therefore, it has been classified as a Variant of Uncertain Significance. Advanced modeling of protein sequence and biophysical properties (such as structural, functional, and spatial information, amino acid conservation, physicochemical variation, residue mobility, and thermodynamic stability) performed at Invitae indicates that this missense variant is not expected to disrupt MKS1 protein function. This variant has not been reported in the literature in individuals with MKS1-related conditions. This variant is not present in population databases (ExAC no frequency). This sequence change replaces serine with glycine at codon 523 of the MKS1 protein (p.Ser523Gly). The serine residue is moderately conserved and there is a small physicochemical difference between serine and glycine.

Natera, Inc.
Classification: Uncertain significance for Meckel syndrome type 1. Last evaluated: 2020-01-17. Review status: no assertion criteria provided. Collection method: clinical testing. Allele origin: germline. Not counted in ClinVar's aggregate classification.